The following is an entry in ClinVar:

ClinVar aggregate classification (germline): Uncertain significance. Review status: criteria provided, multiple submitters, no conflicts (2 of 4 stars). 2 submissions from 2 submitters: Uncertain significance (2). Last evaluated 2025-07-02.

Conditions:
Autoinflammatory syndrome. Identifiers: Orphanet 93665, MedGen C3890737, MONDO:0019751.
Familial cold autoinflammatory syndrome 2 (FCAS2). Identifiers: Orphanet 247868, MedGen C2673198, MONDO:0012724, OMIM 611762.

Allele frequency attached by ClinVar (database versions not stated): gnomAD 0.00008 and 0.00009; gnomAD exomes 0.00008 and 0.00019; ExAC 0.00011; TOPMed 0.00011; ESP Exome Variant Server 0.00023.
gnomAD v4.1: 317 of 1,613,956 alleles (0.02%); highest among the groups gnomAD compares: Middle Eastern, 0.033%; no homozygotes.

Submissions (2):

Labcorp Genetics (formerly Invitae), Labcorp
Classification: Uncertain significance for Familial cold autoinflammatory syndrome 2. Last evaluated: 2025-07-02. Review status: criteria provided, single submitter. Criteria: Invitae Variant Classification Sherloc (09022015). Collection method: clinical testing. Allele origin: germline.
Comment: This sequence change replaces isoleucine, which is neutral and non-polar, with threonine, which is neutral and polar, at codon 716 of the NLRP12 protein (p.Ile716Thr). This variant is present in population databases (rs201439784, gnomAD 0.01%). This variant has not been reported in the literature in individuals affected with NLRP12-related conditions. ClinVar contains an entry for this variant (Variation ID: 574885). An algorithm developed to predict the effect of missense changes on protein structure and function outputs the following: PolyPhen-2: "Benign". The threonine amino acid residue is found in multiple mammalian species, which suggests that this missense change does not adversely affect protein function. In summary, the available evidence is currently insufficient to determine the role of this variant in disease. Therefore, it has been classified as a Variant of Uncertain Significance.

Genome Diagnostics Laboratory, The Hospital for Sick Children
Classification: Uncertain significance for Autoinflammatory syndrome. Last evaluated: 2016-12-12. Review status: criteria provided, single submitter. Criteria: ACMG Guidelines, 2015. Collection method: clinical testing. Allele origin: germline. Affected: yes.

NM_144687.4(NLRP12):c.2147T>C (p.Ile716Thr)

Gene: NLRP12 (NLR family pyrin domain containing 12; minus strand). Cytogenetic location: 19q13.42.
Variant type: single nucleotide variant.
Coding change: c.2147T>C on transcript NM_144687.4 (MANE Select); coding-DNA position 2147, T replaced by C.
Protein change: p.Ile716Thr; replaces isoleucine 716 with threonine.
Molecular consequence: missense variant.
Genome position (GRCh38, 1-based): chr19:53,807,591, A>G on the plus strand (T>C on the coding strand, the complement: NLRP12 is on the minus strand). VCF-style: chr19-53807591-A-G. GRCh37 (hg19) VCF-style: chr19-54310845-A-G.
Other names: c.2150T>C, p.Ile717Thr (NM_001277126.2); c.2147T>C, p.Ile716Thr (NM_001277129.1); short protein forms I716T, I717T.
Identifiers: ClinVar variation 574885 (VCV000574885.14), dbSNP rs201439784, ClinGen allele CA9639210.
Genomic context (GRCh38, chr19:53,807,591, plus strand): 5'-CCTTGACAGAGCAGCTTCACCCCCCGGCTGCCCAGGGCATTTCGGTACAGAGACAGCTCT[A>G]TCAGGTTTGGATTGGTGCACAGGGCCGCTGCCAGATGTTCACTGTAGGCGTCCAGCAGAA-3'
Protein context (NP_653288.1, residues 706-726): AAALCTNPNL[Ile716Thr]ELSLYRNALG